The following is an entry in ClinVar:

NM_014806.5(RUSC2):c.594G>A (p.Glu198=)

Gene: RUSC2 (RUN and SH3 domain containing 2; plus strand). Cytogenetic location: 9p13.3.
Variant type: single nucleotide variant.
Coding change: c.594G>A on transcript NM_014806.5 (MANE Select); coding-DNA position 594, G replaced by A.
Protein change: p.Glu198=; no amino-acid change (glutamic acid 198 retained).
Molecular consequence: synonymous variant. On other transcripts: non-coding transcript variant (1), intron variant (1).
Genome position (GRCh38, 1-based): chr9:35,547,115, G>A. VCF-style: chr9-35547115-G-A. GRCh37 (hg19) VCF-style: chr9-35547112-G-A.
Other names: c.594G>A, p.Glu198= (NM_001135999.2); c.-620-7945G>A (NM_001330740.2); c.594G>A (NM_001135999.1).
Identifiers: ClinVar variation 1120664 (VCV001120664.41), dbSNP rs147951598, ClinGen allele CA5043499.

ClinVar aggregate classification (germline): Likely benign. Review status: criteria provided, multiple submitters, no conflicts (2 of 4 stars). 5 submissions from 5 submitters: Likely benign (4). 1 of the submissions does not count toward it. Last evaluated 2025-12-25.

Conditions:
RUSC2-related disorder. Also called: RUSC2-related condition.

Allele frequency attached by ClinVar (database versions not stated): ExAC 0.00025; TOPMed 0.00025; gnomAD exomes 0.00026 and 0.00044; gnomAD 0.00028 and 0.00029; ESP Exome Variant Server 0.00038.
gnomAD v4.1: 687 of 1,614,210 alleles (0.043%); highest among the groups gnomAD compares: Middle Eastern, 0.082%; 1 homozygote.

Submissions (5):

Labcorp Genetics (formerly Invitae), Labcorp
Classification: Likely benign. Last evaluated: 2025-12-25. Review status: criteria provided, single submitter. Criteria: Invitae Variant Classification Sherloc (09022015). Collection method: clinical testing. Allele origin: germline.

Blueprint Genetics
Classification: Likely benign. Last evaluated: 2023-10-05. Review status: criteria provided, single submitter. Criteria: ACMG Guidelines, 2015. Collection method: clinical testing. Allele origin: germline.

CeGaT Center for Human Genetics Tuebingen
Classification: Likely benign. Last evaluated: 2023-01-01. Review status: criteria provided, single submitter. Criteria: CeGaT Center For Human Genetics Tuebingen Variant Classification Criteria Version 2. Collection method: clinical testing. Allele origin: germline. Affected: yes. Observed: 2 variant alleles.
Comment: RUSC2: BP4, BP7

Breakthrough Genomics
Classification: Likely benign. Review status: criteria provided, single submitter. Criteria: ACMG Guidelines, 2015. Collection method: not provided. Allele origin: germline. Inheritance: Autosomal recessive inheritance. Affected: yes.

PreventionGenetics, part of Exact Sciences
Classification: Likely benign for RUSC2-related condition. Last evaluated: 2019-02-22. Review status: no assertion criteria provided. Collection method: clinical testing. Allele origin: germline. Not counted in ClinVar's aggregate classification.
Comment: This variant is classified as likely benign based on ACMG/AMP sequence variant interpretation guidelines (Richards et al. 2015 PMID: 25741868, with internal and published modifications).